The following is an entry in ClinVar:

ClinVar aggregate classification (germline): Uncertain significance. Review status: criteria provided, single submitter (1 of 4 stars). 2 submissions from 2 submitters: Uncertain significance (1). 1 of the submissions does not count toward it. Last evaluated 2022-07-01.

Conditions:
Pontocerebellar hypoplasia type 9. Identifiers: Orphanet 369920, MedGen C4014354, MONDO:0014351, OMIM 615809.
Hereditary spastic paraplegia 63. Also called: Spastic paraplegia 63, autosomal recessive. Identifiers: Orphanet 401805, MedGen C3810295, MONDO:0014305, OMIM 615686.

Allele frequency attached by ClinVar (database versions not stated): gnomAD exomes 0.00001 and 0.00003; TOPMed 0.00002; ExAC 0.00004.
gnomAD v4.1: 8 of 1,611,390 alleles (0.0005%); highest among the groups gnomAD compares: East Asian, 0.016%; no homozygotes.

Submissions (2):

Labcorp Genetics (formerly Invitae), Labcorp
Classification: Uncertain significance for Pontocerebellar hypoplasia type 9; Hereditary spastic paraplegia 63. Last evaluated: 2022-07-01. Review status: criteria provided, single submitter. Criteria: Invitae Variant Classification Sherloc (09022015). Collection method: clinical testing. Allele origin: germline.
Comment: This sequence change replaces proline, which is neutral and non-polar, with leucine, which is neutral and non-polar, at codon 686 of the AMPD2 protein (p.Pro686Leu). This variant is present in population databases (rs746845817, gnomAD 0.04%). This variant has not been reported in the literature in individuals affected with AMPD2-related conditions. ClinVar contains an entry for this variant (Variation ID: 1339564). Algorithms developed to predict the effect of missense changes on protein structure and function are either unavailable or do not agree on the potential impact of this missense change (SIFT: "Deleterious"; PolyPhen-2: "Probably Damaging"; Align-GVGD: "Class C0"). In summary, the available evidence is currently insufficient to determine the role of this variant in disease. Therefore, it has been classified as a Variant of Uncertain Significance.

Center for Molecular Medicine, Children’s Hospital of Fudan University
Classification: Uncertain significance for Pontocerebellar hypoplasia type 9. Last evaluated: 2022-02-08. Review status: no assertion criteria provided. Collection method: clinical testing. Allele origin: maternal. Affected: yes. Not counted in ClinVar's aggregate classification.

NM_001368809.2(AMPD2):c.1895C>T (p.Pro632Leu)

Gene: AMPD2 (adenosine monophosphate deaminase 2; plus strand). Cytogenetic location: 1p13.3.
Variant type: single nucleotide variant.
Coding change: c.1895C>T on transcript NM_001368809.2 (MANE Select); coding-DNA position 1895, C replaced by T.
Protein change: p.Pro632Leu; replaces proline 632 with leucine.
Molecular consequence: missense variant.
Genome position (GRCh38, 1-based): chr1:109,629,828, C>T. VCF-style: chr1-109629828-C-T. GRCh37 (hg19) VCF-style: chr1-110172450-C-T.
Other names: c.1703C>T, p.Pro568Leu (NM_001257361.2); c.1832C>T, p.Pro611Leu (NM_001308170.1); c.1895C>T, p.Pro632Leu (NM_004037.9); c.1814C>T, p.Pro605Leu (NM_139156.4); short protein forms P568L, P605L, P611L, P632L.
Identifiers: ClinVar variation 1339564 (VCV001339564.8), dbSNP rs746845817, ClinGen allele CA993224.